The following is an entry in ClinVar:

NM_002230.4(JUP):c.818T>C (p.Met273Thr)

Gene: JUP (junction plakoglobin; minus strand). Cytogenetic location: 17q21.2.
Variant type: single nucleotide variant.
Coding change: c.818T>C on transcript NM_002230.4 (MANE Select); coding-DNA position 818, T replaced by C.
Protein change: p.Met273Thr; replaces methionine 273 with threonine.
Molecular consequence: missense variant.
Genome position (GRCh38, 1-based): chr17:41,767,470, A>G on the plus strand (T>C on the coding strand, the complement: JUP is on the minus strand). VCF-style: chr17-41767470-A-G. GRCh37 (hg19) VCF-style: chr17-39923722-A-G.
Other names: c.818T>C, p.Met273Thr (NM_001352773.2, NM_001352774.2, NM_001352775.2 and 3 more transcripts); short protein forms M273T.
Identifiers: ClinVar variation 201831 (VCV000201831.18), dbSNP rs782091454, ClinGen allele CA308566.

ClinVar aggregate classification (germline): Uncertain significance. Review status: criteria provided, multiple submitters, no conflicts (2 of 4 stars). 4 submissions from 3 submitters: Uncertain significance (4). Last evaluated 2026-01-10.

Conditions:
Cardiovascular phenotype. Identifiers: MedGen CN230736.
Arrhythmogenic right ventricular dysplasia 12. Also called: ARRHYTHMOGENIC RIGHT VENTRICULAR DYSPLASIA, FAMILIAL, 12. Identifiers: MedGen C1969081, MONDO:0012684, OMIM 611528.
Naxos disease (NXD). Also called: KERATOSIS PALMOPLANTARIS WITH ARRHYTHMOGENIC CARDIOMYOPATHY; MAL DE NAXOS; PALMOPLANTAR KERATODERMA WITH ARRHYTHMOGENIC RIGHT VENTRICULAR CARDIOMYOPATHY AND WOOLLY HAIR; WOOLLY HAIR, PALMOPLANTAR KERATODERMA, AND CARDIAC ABNORMALITIES; CARDIOMYOPATHY, ARRHYTHMOGENIC RIGHT VENTRICULAR, WITH SKIN, HAIR, AND NAIL ABNORMALITIES. Identifiers: Orphanet 34217, MedGen C1832600, MONDO:0011017, OMIM 601214.

Allele frequency attached by ClinVar (database versions not stated): gnomAD 0.00001; gnomAD exomes 0.00001 and 0.00002; TOPMed 0.00001; ExAC 0.00002.
gnomAD v4.1: 14 of 1,613,882 alleles (0.00087%); highest among the groups gnomAD compares: Admixed American, 0.0017%; no homozygotes.

Submissions (4):

Labcorp Genetics (formerly Invitae), Labcorp
Classification: Uncertain significance for Arrhythmogenic right ventricular dysplasia 12; Naxos disease. Last evaluated: 2026-01-10. Review status: criteria provided, single submitter. Criteria: Invitae Variant Classification Sherloc (09022015). Collection method: clinical testing. Allele origin: germline.
Comment: This sequence change replaces methionine, which is neutral and non-polar, with threonine, which is neutral and polar, at codon 273 of the JUP protein (p.Met273Thr). This variant is present in population databases (rs782091454, gnomAD 0.005%). This variant has not been reported in the literature in individuals affected with JUP-related conditions. ClinVar contains an entry for this variant (Variation ID: 201831). An algorithm developed to predict the effect of missense changes on protein structure and function (PolyPhen-2) suggests that this variant is likely to be disruptive. In summary, the available evidence is currently insufficient to determine the role of this variant in disease. Therefore, it has been classified as a Variant of Uncertain Significance.

Ambry Genetics
Classification: Uncertain significance for Cardiovascular phenotype. Last evaluated: 2018-11-30. Review status: criteria provided, single submitter. Criteria: Ambry Variant Classification Scheme 2023. Collection method: clinical testing. Allele origin: germline.
Comment: The p.M273T variant (also known as c.818T>C), located in coding exon 4 of the JUP gene, results from a T to C substitution at nucleotide position 818. The methionine at codon 273 is replaced by threonine, an amino acid with similar properties. This amino acid position is highly conserved in available vertebrate species. In addition, this alteration is predicted to be deleterious by in silico analysis. Since supporting evidence is limited at this time, the clinical significance of this alteration remains unclear.

Illumina Laboratory Services, Illumina
Classification: Uncertain significance for Naxos disease. Last evaluated: 2018-01-13. Review status: criteria provided, single submitter. Criteria: ICSL Variant Classification Criteria 13 December 2019. Collection method: clinical testing. Allele origin: germline.

Illumina Laboratory Services, Illumina
Classification: Uncertain significance for Arrhythmogenic right ventricular dysplasia 12. Last evaluated: 2018-01-13. Review status: criteria provided, single submitter. Criteria: ICSL Variant Classification Criteria 13 December 2019. Collection method: clinical testing. Allele origin: germline.